The following is an entry in ClinVar:

ClinVar aggregate classification (germline): Likely pathogenic (1 of 4 stars; one submission).

Conditions:
Dysequilibrium syndrome. Also called: Cerebellar ataxia, intellectual disability, and dysequilibrium; Cerebellar ataxia, mental retardation, and dysequilibrium. Identifiers: Orphanet 1766, MedGen C0394006, MONDO:0009133.

Allele frequency attached by ClinVar (database versions not stated): gnomAD exomes below 0.00001.
gnomAD v4.1: 2 of 1,614,130 alleles (0.00012%); highest among the groups gnomAD compares: Non-Finnish European, 0.00017%; no homozygotes.

Submission:

Victorian Clinical Genetics Services, Murdoch Childrens Research Institute
Classification: Likely pathogenic for Dysequilibrium syndrome. Last evaluated: 2020-05-21. Review status: criteria provided, single submitter. Criteria: ACMG Guidelines, 2015. Collection method: clinical testing. Allele origin: germline. Inheritance: Autosomal recessive inheritance. Affected: yes.
Comment: A heterozygous (canonical) splice site variant was identified, NM_003383.4(VLDLR):c.1962+1G>A in intron 13 of the VLDLR gene. This substitution is predicted to cause aberrant splicing in the VLDLR gene, affecting protein function; further testing via RNA studies are required to confirm if splicing is altered. The nucleotide at this position has high conservation (PhyloP UCSC). In silico software predicts the disruption of the donor splice site (NetGene2, Fruit fly, Human Splicing Finder). The variant is not present in the gnomAD population database. It has not been previously observed in clinical cases. Different variants in the same splice region (c.1962+2T>C, c.1962+2T>A) has been reported as pathogenic (LOVD), and in a patient with cerebellar ataxia, mental retardation, and dysequilibrium syndrome (ClinVar). Based on information available at the time of curation, this variant has been classified as LIKELY PATHOGENIC.

NM_003383.5(VLDLR):c.1962+1G>A

Gene: VLDLR (very low density lipoprotein receptor; plus strand). Cytogenetic location: 9p24.2.
Variant type: single nucleotide variant.
Coding change: c.1962+1G>A on transcript NM_003383.5 (MANE Select); the canonical splice donor site of the intron after coding-DNA position 1962, G replaced by A.
Molecular consequence: splice donor variant.
Genome position (GRCh38, 1-based): chr9:2,648,348, G>A. VCF-style: chr9-2648348-G-A. GRCh37 (hg19) VCF-style: chr9-2648348-G-A.
Other names: c.1962+1G>A (NM_001018056.3); c.1839+1G>A (NM_001322225.2, NM_001322226.2).
Identifiers: ClinVar variation 1699105 (VCV001699105.3), dbSNP rs2130801524, ClinGen allele CA372797790.